The following is an entry in ClinVar:

NM_021615.5(CHST6):c.*2947G>T

Gene: CHST6 (carbohydrate sulfotransferase 6; minus strand). Cytogenetic location: 16q23.1.
Variant type: single nucleotide variant.
Coding change: c.*2947G>T on transcript NM_021615.5 (MANE Select); 2947 bases downstream of the stop codon, G replaced by T.
Molecular consequence: 3 prime UTR variant.
Genome position (GRCh38, 1-based): chr16:75,475,694, C>A on the plus strand (G>T on the coding strand, the complement: CHST6 is on the minus strand). VCF-style: chr16-75475694-C-A. GRCh37 (hg19) VCF-style: chr16-75509592-C-A.
Identifiers: ClinVar variation 320544 (VCV000320544.5), dbSNP rs112154704, ClinGen allele CA10648079.
Genomic context (GRCh38, chr16:75,475,694, plus strand): 5'-GTCCTGAAAGCTGACCTGGGTTCACTGTGAGGCTTGACTGTACTGCCCATGCGCAGAGAG[C>A]AAATTCAGGAGCCAGTCAAGCATGTCCTGACACCTTGGGAGTCAGGGGAGAATGGATGGG-3'

ClinVar aggregate classification (germline): Likely benign (1 of 4 stars; one submission).

Conditions:
Macular corneal dystrophy (MCD). Also called: GROENOUW TYPE II CORNEAL DYSTROPHY; Macular corneal dystrophy Type I. Identifiers: Orphanet 98969, MedGen C1636149, MONDO:0009020, OMIM 217800.

Allele frequency attached by ClinVar (database versions not stated): gnomAD 0.00198 and 0.00217; TOPMed 0.00230; 1000 Genomes Project 30x 0.00234; 1000 Genomes Project 0.00280.

Submission:

Illumina Laboratory Services, Illumina
Classification: Likely benign for Macular corneal dystrophy. Last evaluated: 2018-01-13. Review status: criteria provided, single submitter. Criteria: ICSL Variant Classification Criteria 13 December 2019. Collection method: clinical testing. Allele origin: germline.
Comment: This variant was observed in the ICSL laboratory as part of a predisposition screen in an ostensibly healthy population. It had not been previously curated by ICSL or reported in the Human Gene Mutation Database (HGMD: prior to June 1st, 2018), and was therefore a candidate for classification through an automated scoring system. Utilizing variant allele frequency, disease prevalence and penetrance estimates, and inheritance mode, an automated score was calculated to assess if this variant is too frequent to cause the disease. Based on the score and internal cut-off values, a variant classified as likely benign is not then subjected to further curation. The score for this variant resulted in a classification of likely benign for this disease.